The following is an entry in ClinVar:

NM_000135.4(FANCA):c.395G>T (p.Ser132Ile)

Gene: FANCA (FA complementation group A; minus strand). Cytogenetic location: 16q24.3.
Variant type: single nucleotide variant.
Coding change: c.395G>T on transcript NM_000135.4 (MANE Select); coding-DNA position 395, G replaced by T.
Protein change: p.Ser132Ile; replaces serine 132 with isoleucine.
Molecular consequence: missense variant.
Genome position (GRCh38, 1-based): chr16:89,810,960, C>A on the plus strand (G>T on the coding strand, the complement: FANCA is on the minus strand). VCF-style: chr16-89810960-C-A. GRCh37 (hg19) VCF-style: chr16-89877368-C-A.
Other names: c.395G>T, p.Ser132Ile (NM_001018112.3, NM_001286167.3, NM_001351830.2); short protein forms S132I.
Identifiers: ClinVar variation 4022304 (VCV004022304.1).

ClinVar aggregate classification (germline): Uncertain significance (1 of 4 stars; one submission).

Conditions:
Inborn genetic diseases. Identifiers: MedGen C0950123, MeSH D030342.

gnomAD v4.1: 1 of 1,614,018 alleles (0.000062%); highest among the groups gnomAD compares: Non-Finnish European, 0.000085%; no homozygotes.

Submission:

Ambry Genetics
Classification: Uncertain significance for Inborn genetic diseases. Last evaluated: 2025-05-23. Review status: criteria provided, single submitter. Criteria: Ambry Variant Classification Scheme 2023. Collection method: clinical testing. Allele origin: germline.
Comment: The p.S132I variant (also known as c.395G>T), located in coding exon 4 of the FANCA gene, results from a G to T substitution at nucleotide position 395. The serine at codon 132 is replaced by isoleucine, an amino acid with dissimilar properties. This amino acid position is conserved. In addition, this alteration is predicted to be tolerated by in silico analysis. Based on the available evidence, the clinical significance of this variant remains unclear.